The following is an entry in ClinVar:

NM_000465.4(BARD1):c.1870A>G (p.Ile624Val)

Gene: BARD1 (BRCA1 associated RING domain 1; minus strand). Cytogenetic location: 2q35.
Variant type: single nucleotide variant.
Coding change: c.1870A>G on transcript NM_000465.4 (MANE Select); coding-DNA position 1870, A replaced by G.
Protein change: p.Ile624Val; replaces isoleucine 624 with valine.
Molecular consequence: missense variant. On other transcripts: non-coding transcript variant (3), intron variant (1).
Genome position (GRCh38, 1-based): chr2:214,745,100, T>C on the plus strand (A>G on the coding strand, the complement: BARD1 is on the minus strand). VCF-style: chr2-214745100-T-C. GRCh37 (hg19) VCF-style: chr2-215609824-T-C.
Other names: c.1813A>G, p.Ile605Val (NM_001282543.2); c.517A>G, p.Ile173Val (NM_001282545.2); c.460A>G, p.Ile154Val (NM_001282548.2); c.365-14592A>G (NM_001282549.2); c.1870A>G (NM_000465.2); short protein forms I173V, I624V, I154V, I605V.
Identifiers: ClinVar variation 2824295 (VCV002824295.4), dbSNP rs2469337857, ClinGen allele CA350452130.

ClinVar aggregate classification (germline): Uncertain significance. Review status: criteria provided, multiple submitters, no conflicts (2 of 4 stars). 2 submissions from 2 submitters: Uncertain significance (2). Last evaluated 2026-07-06.

Conditions:
Hereditary cancer-predisposing syndrome. Also called: Hereditary Cancer Syndrome; Hereditary neoplastic syndrome; Neoplastic Syndromes, Hereditary; Tumor predisposition. Identifiers: Orphanet 140162, MedGen C0027672, MeSH D009386, MONDO:0015356.
Familial cancer of breast. Also called: BREAST CANCER, FAMILIAL; Hereditary breast cancer; hereditary breast carcinoma. Identifiers: Orphanet 227535, MedGen C0346153, MONDO:0016419, OMIM 114480. Disease mechanism: loss of function.

Submissions (2):

Ambry Genetics
Classification: Uncertain significance for Hereditary cancer-predisposing syndrome. Last evaluated: 2026-07-06. Review status: criteria provided, single submitter. Criteria: Ambry Variant Classification Scheme 2023. Collection method: clinical testing. Allele origin: germline.
Comment: The p.I624V variant (also known as c.1870A>G), located in coding exon 9 of the BARD1 gene, results from an A to G substitution at nucleotide position 1870. The isoleucine at codon 624 is replaced by valine, an amino acid with highly similar properties. This amino acid position is conserved. In addition, this alteration is predicted to be tolerated by in silico analysis. Based on the available evidence, the clinical significance of this variant remains unclear.

Labcorp Genetics (formerly Invitae), Labcorp
Classification: Uncertain significance for Familial cancer of breast. Last evaluated: 2022-12-26. Review status: criteria provided, single submitter. Criteria: Invitae Variant Classification Sherloc (09022015). Collection method: clinical testing. Allele origin: germline.
Comment: This sequence change replaces isoleucine, which is neutral and non-polar, with valine, which is neutral and non-polar, at codon 624 of the BARD1 protein (p.Ile624Val). This variant is not present in population databases (gnomAD no frequency). This variant has not been reported in the literature in individuals affected with BARD1-related conditions. Algorithms developed to predict the effect of missense changes on protein structure and function (SIFT, PolyPhen-2, Align-GVGD) all suggest that this variant is likely to be tolerated. In summary, the available evidence is currently insufficient to determine the role of this variant in disease. Therefore, it has been classified as a Variant of Uncertain Significance.